The following is an entry in ClinVar:

ClinVar aggregate classification (germline): Conflicting classifications of pathogenicity. Review status: criteria provided, conflicting classifications (1 of 4 stars). 3 submissions from 3 submitters: Uncertain significance (1); Likely benign (1). 1 of the submissions does not count toward it. Last evaluated 2025-11-26.

Conditions:
Cone-rod dystrophy 2 (CORD2). Also called: Cone-rod retinal dystrophy 2; CONE-ROD RETINAL DYSTROPHY. Identifiers: Orphanet 1872, MedGen C3489532, MONDO:0007362, OMIM 120970.
Leber congenital amaurosis 7 (LCA7). Identifiers: Orphanet 65, MedGen C3151192, MONDO:0013449, OMIM 613829.
Retinal dystrophy. Also called: Inherited retinal dystrophy. Identifiers: Orphanet 71862, MedGen C0854723, MeSH D058499, MONDO:0019118, HP:0000556.

Allele frequency attached by ClinVar (database versions not stated): ExAC 0.00002; gnomAD exomes 0.00002; gnomAD 0.00003 and 0.00004; TOPMed 0.00004; ESP Exome Variant Server 0.00008.
gnomAD v4.1: 72 of 1,613,168 alleles (0.0045%); highest among the groups gnomAD compares: Non-Finnish European, 0.0059%; no homozygotes.

Submissions (3):

Labcorp Genetics (formerly Invitae), Labcorp
Classification: Likely benign for Cone-rod dystrophy 2; Leber congenital amaurosis 7. Last evaluated: 2025-11-26. Review status: criteria provided, single submitter. Criteria: Invitae Variant Classification Sherloc (09022015). Collection method: clinical testing. Allele origin: germline.

GeneDx
Classification: Uncertain significance. Last evaluated: 2025-09-23. Review status: criteria provided, single submitter. Criteria: GeneDx Variant Classification Process June 2021. Collection method: clinical testing. Allele origin: germline. Affected: yes.
Comment: In silico analysis suggests that this missense variant does not alter protein structure/function; Has not been previously reported as a pathogenic or benign germline variant to our knowledge; This variant is associated with the following publications: (PMID: 29170503)

Institute of Human Genetics, Univ. Regensburg, Univ. Regensburg
Classification: Uncertain significance for Retinal dystrophy. Last evaluated: 2022-01-01. Review status: no assertion criteria provided. Criteria: ACMG Guidelines, 2015. Collection method: clinical testing. Allele origin: germline. Affected: yes. Not counted in ClinVar's aggregate classification.

NM_000554.6(CRX):c.568C>T (p.Pro190Ser)

Gene: CRX (cone-rod homeobox; plus strand). Cytogenetic location: 19q13.33.
Variant type: single nucleotide variant.
Coding change: c.568C>T on transcript NM_000554.6 (MANE Select); coding-DNA position 568, C replaced by T.
Protein change: p.Pro190Ser; replaces proline 190 with serine.
Molecular consequence: missense variant.
Genome position (GRCh38, 1-based): chr19:47,839,635, C>T. VCF-style: chr19-47839635-C-T. GRCh37 (hg19) VCF-style: chr19-48342892-C-T.
Other names: short protein forms P190S.
Identifiers: ClinVar variation 546387 (VCV000546387.7), dbSNP rs151169551, ClinGen allele CA9544520.